The following is an entry in ClinVar:

ClinVar aggregate classification (germline): Uncertain significance (1 of 4 stars; one submission).

Allele frequency attached by ClinVar (database versions not stated): gnomAD exomes below 0.00001; gnomAD 0.00001.
gnomAD v4.1: 7 of 1,612,650 alleles (0.00043%); highest among the groups gnomAD compares: African/African-American, 0.008%; no homozygotes.

Submission:

Labcorp Genetics (formerly Invitae), Labcorp
Classification: Uncertain significance. Last evaluated: 2022-09-27. Review status: criteria provided, single submitter. Criteria: Invitae Variant Classification Sherloc (09022015). Collection method: clinical testing. Allele origin: germline.
Comment: This sequence change replaces threonine, which is neutral and polar, with alanine, which is neutral and non-polar, at codon 113 of the CYP4V2 protein (p.Thr113Ala). This variant is not present in population databases (gnomAD no frequency). This variant has not been reported in the literature in individuals affected with CYP4V2-related conditions. ClinVar contains an entry for this variant (Variation ID: 1522520). Algorithms developed to predict the effect of missense changes on protein structure and function (SIFT, PolyPhen-2, Align-GVGD) all suggest that this variant is likely to be tolerated. Algorithms developed to predict the effect of sequence changes on RNA splicing suggest that this variant may disrupt the consensus splice site. In summary, the available evidence is currently insufficient to determine the role of this variant in disease. Therefore, it has been classified as a Variant of Uncertain Significance.

NM_207352.4(CYP4V2):c.337A>G (p.Thr113Ala)

Gene: CYP4V2 (cytochrome P450 family 4 subfamily V member 2; plus strand). Cytogenetic location: 4q35.1.
Variant type: single nucleotide variant.
Coding change: c.337A>G on transcript NM_207352.4 (MANE Select); coding-DNA position 337, A replaced by G.
Protein change: p.Thr113Ala; replaces threonine 113 with alanine.
Molecular consequence: missense variant.
Genome position (GRCh38, 1-based): chr4:186,196,012, A>G. VCF-style: chr4-186196012-A-G. GRCh37 (hg19) VCF-style: chr4-187117166-A-G.
Other names: short protein forms T113A.
Identifiers: ClinVar variation 1522520 (VCV001522520.3), dbSNP rs1736136813, ClinGen allele CA358947062.
Genomic context (GRCh38, chr4:186,196,012, plus strand): 5'-AAGGTTGTTTGATGTCTGTATGTCTCTAAAGTATGTTTTTCTCTTCCTAAGGTAATTTTA[A>G]CTAGTTCAAAGCAAATTGACAAATCCTCTATGTACAAGTTTTTAGAACCATGGCTTGGCC-3'
Protein context (NP_997235.3, residues 103-123): YNAENVEVIL[Thr113Ala]SSKQIDKSSM